The following is an entry in ClinVar:

NM_205768.3(ZBTB18):c.162C>A (p.Cys54Ter)

Gene: ZBTB18 (zinc finger and BTB domain containing 18; plus strand). Cytogenetic location: 1q44.
Variant type: single nucleotide variant.
Coding change: c.162C>A on transcript NM_205768.3 (MANE Select); coding-DNA position 162, C replaced by A.
Protein change: p.Cys54Ter; replaces cysteine 54 with a stop codon.
Molecular consequence: nonsense.
Genome position (GRCh38, 1-based): chr1:244,053,936, C>A. VCF-style: chr1-244053936-C-A. GRCh37 (hg19) VCF-style: chr1-244217238-C-A.
Other names: c.135C>A, p.Cys45Ter (NM_001278196.2, NM_006352.5); c.162C>A, p.Cys54Ter (NM_001421566.1); short protein forms C45*, C54*.
Identifiers: ClinVar variation 4634985 (VCV004634985.1).

ClinVar aggregate classification (germline): Pathogenic (1 of 4 stars; one submission).

Conditions:
Inborn genetic diseases. Identifiers: MedGen C0950123, MeSH D030342.

Submission:

Ambry Genetics
Classification: Pathogenic for Inborn genetic diseases. Last evaluated: 2025-10-14. Review status: criteria provided, single submitter. Criteria: Ambry Variant Classification Scheme 2023. Collection method: clinical testing. Allele origin: germline.
Comment: The c.162C>A (p.C54*) alteration, located in exon 2 (coding exon 2) of the ZBTB18 gene, consists of a C to A substitution at nucleotide position 162. This changes the amino acid from a cysteine (C) to a stop codon at amino acid position 54. This alteration is expected to result in loss of function by premature protein truncation or nonsense-mediated mRNA decay. This variant was not reported in population-based cohorts in the Genome Aggregation Database (gnomAD). Based on the available evidence, this alteration is classified as pathogenic.